The following is an entry in ClinVar:

ClinVar aggregate classification (germline): Pathogenic (1 of 4 stars; one submission).

Submission:

Labcorp Genetics (formerly Invitae), Labcorp
Classification: Pathogenic. Last evaluated: 2022-07-23. Review status: criteria provided, single submitter. Criteria: Invitae Variant Classification Sherloc (09022015). Collection method: clinical testing. Allele origin: germline.
Comment: For these reasons, this variant has been classified as Pathogenic. This variant has not been reported in the literature in individuals affected with NBAS-related conditions. This variant is not present in population databases (gnomAD no frequency). This sequence change creates a premature translational stop signal (p.Arg1668Glyfs*11) in the NBAS gene. It is expected to result in an absent or disrupted protein product. Loss-of-function variants in NBAS are known to be pathogenic (PMID: 26073778, 26541327, 27789416, 28031453).

Literature cited by the submitters: PubMed 26073778; PubMed 26541327; PubMed 27789416; PubMed 28031453.

NM_015909.4(NBAS):c.5002del (p.Arg1668fs)

Gene: NBAS (NBAS subunit of NRZ tethering complex; minus strand). Cytogenetic location: 2p24.3.
Variant type: Deletion.
Coding change: c.5002del on transcript NM_015909.4 (MANE Select); coding-DNA position 5002, one base deleted (A; older notation c.5002delA).
Protein change: p.Arg1668fs; shifts the reading frame from arginine 1668.
Molecular consequence: frameshift variant. On other transcripts: non-coding transcript variant (1).
Genome position (GRCh38, 1-based): chr2:15,292,562, T deleted on the plus strand (A on the coding strand, the reverse complement: NBAS is on the minus strand); the first of 4 consecutive T bases (chr2:15,292,562-15,292,565); deleting any one gives the same sequence. VCF-style (leftmost placement, unchanged base first): chr2-15292561-CT-C. GRCh37 (hg19) VCF-style: chr2-15432685-CT-C.
Other names: short protein forms R1668fs.
Identifiers: ClinVar variation 1970196 (VCV001970196.5), dbSNP rs2528202749, ClinGen allele CA2580063606.
Genomic context (GRCh38, chr2:15,292,561, plus strand): 5'-AATCCATCCCCTTATGAAACAAAGGGTATCACTTACTCTGCCAGACCAAGGATAGTTTCC[CT>C]TTTATACTGGTCATCTGCAGTAAACCGCTGCACGTCCACACCCTTCCGAAGGCCCTGAAG-3'